The following is an entry in ClinVar:

ClinVar aggregate classification (germline): Uncertain significance. Review status: criteria provided, multiple submitters, no conflicts (2 of 4 stars). 2 submissions from 2 submitters: Uncertain significance (2). Last evaluated 2024-09-05.

Conditions:
Achondrogenesis, type IA (ACG1A). Identifiers: Orphanet 932, Orphanet 93299, MedGen C0265273, MONDO:0008701, OMIM 200600.

Allele frequency attached by ClinVar (database versions not stated): ExAC 0.00001; gnomAD 0.00001; gnomAD exomes 0.00001.
gnomAD v4.1: 12 of 1,614,014 alleles (0.00074%); highest among the groups gnomAD compares: Middle Eastern, 0.016%; no homozygotes.

Submissions (2):

Labcorp Genetics (formerly Invitae), Labcorp
Classification: Uncertain significance for Achondrogenesis, type IA. Last evaluated: 2024-09-05. Review status: criteria provided, single submitter. Criteria: Invitae Variant Classification Sherloc (09022015). Collection method: clinical testing. Allele origin: germline.
Comment: This sequence change replaces alanine, which is neutral and non-polar, with valine, which is neutral and non-polar, at codon 142 of the TRIP11 protein (p.Ala142Val). This variant is present in population databases (rs766014867, gnomAD 0.003%). This variant has not been reported in the literature in individuals affected with TRIP11-related conditions. ClinVar contains an entry for this variant (Variation ID: 314976). Invitae Evidence Modeling of protein sequence and biophysical properties (such as structural, functional, and spatial information, amino acid conservation, physicochemical variation, residue mobility, and thermodynamic stability) indicates that this missense variant is not expected to disrupt TRIP11 protein function with a negative predictive value of 80%. In summary, the available evidence is currently insufficient to determine the role of this variant in disease. Therefore, it has been classified as a Variant of Uncertain Significance.

Illumina Laboratory Services, Illumina
Classification: Uncertain significance for Achondrogenesis, type IA. Last evaluated: 2018-01-13. Review status: criteria provided, single submitter. Criteria: ICSL Variant Classification Criteria 13 December 2019. Collection method: clinical testing. Allele origin: germline.

NM_004239.4(TRIP11):c.425C>T (p.Ala142Val)

Gene: TRIP11 (thyroid hormone receptor interactor 11; minus strand). Cytogenetic location: 14q32.12.
Variant type: single nucleotide variant.
Coding change: c.425C>T on transcript NM_004239.4 (MANE Select); coding-DNA position 425, C replaced by T.
Protein change: p.Ala142Val; replaces alanine 142 with valine.
Molecular consequence: missense variant.
Genome position (GRCh38, 1-based): chr14:92,021,719, G>A on the plus strand (C>T on the coding strand, the complement: TRIP11 is on the minus strand). VCF-style: chr14-92021719-G-A. GRCh37 (hg19) VCF-style: chr14-92488063-G-A.
Other names: c.422C>T, p.Ala141Val (NM_001321851.1); short protein forms A142V, A141V.
Identifiers: ClinVar variation 314976 (VCV000314976.9), dbSNP rs766014867, ClinGen allele CA7314191.